The following is an entry in ClinVar:

NM_000288.4(PEX7):c.934A>G (p.Lys312Glu)

Gene: PEX7 (peroxisomal biogenesis factor 7; plus strand). Cytogenetic location: 6q23.3.
Variant type: single nucleotide variant.
Coding change: c.934A>G on transcript NM_000288.4 (MANE Select); coding-DNA position 934, A replaced by G.
Protein change: p.Lys312Glu; replaces lysine 312 with glutamic acid.
Molecular consequence: missense variant.
Genome position (GRCh38, 1-based): chr6:136,913,488, A>G. VCF-style: chr6-136913488-A-G. GRCh37 (hg19) VCF-style: chr6-137234626-A-G.
Other names: short protein forms K312E.
Identifiers: ClinVar variation 1401270 (VCV001401270.6), dbSNP rs2115300138, ClinGen allele CA365767268.

ClinVar aggregate classification (germline): Uncertain significance (1 of 4 stars; one submission).

Conditions:
Peroxisome biogenesis disorder 9B. Also called: PEX7-Related Refsum Disease; PEROXISOME BIOGENESIS DISORDER, PEX7-RELATED, ATYPICAL; Refsum disease, adult, 2. Identifiers: Orphanet 773, MedGen C2749346, MONDO:0013945, OMIM 614879.

Allele frequency attached by ClinVar (database versions not stated): gnomAD exomes below 0.00001.
gnomAD v4.1: 2 of 1,612,742 alleles (0.00012%); highest among the groups gnomAD compares: Admixed American, 0.0033%; no homozygotes.

Submission:

Labcorp Genetics (formerly Invitae), Labcorp
Classification: Uncertain significance for Peroxisome biogenesis disorder 9B. Last evaluated: 2024-10-16. Review status: criteria provided, single submitter. Criteria: Invitae Variant Classification Sherloc (09022015). Collection method: clinical testing. Allele origin: germline.
Comment: This sequence change replaces lysine, which is basic and polar, with glutamic acid, which is acidic and polar, at codon 312 of the PEX7 protein (p.Lys312Glu). This variant is not present in population databases (gnomAD no frequency). This variant has not been reported in the literature in individuals affected with PEX7-related conditions. ClinVar contains an entry for this variant (Variation ID: 1401270). An algorithm developed to predict the effect of missense changes on protein structure and function (PolyPhen-2) suggests that this variant is likely to be disruptive. In summary, the available evidence is currently insufficient to determine the role of this variant in disease. Therefore, it has been classified as a Variant of Uncertain Significance.